The following is an entry in ClinVar:

ClinVar aggregate classification (germline): Uncertain significance (1 of 4 stars; one submission).

Conditions:
Myoclonic dystonia 11 (DYT11). Also called: DYT-SGCE; Myoclonic dystonia; Dystonia 11; Dystonia, alcohol responsive; Hereditary essential myoclonus; SGCE Myoclonus-Dystonia. Identifiers: Orphanet 36899, MedGen C1834570, MONDO:0008044, OMIM 159900.

Submission:

Centre for Mendelian Genomics, University Medical Centre Ljubljana
Classification: Uncertain significance for Myoclonic dystonia 11. Last evaluated: 2020-01-27. Review status: criteria provided, single submitter. Criteria: ACMG Guidelines, 2015. Collection method: clinical testing. Allele origin: unknown. Affected: yes.
Comment: This variant was classified as: Uncertain significance. The available evidence on this variant's pathogenicity is insufficient or conflicting. The following ACMG criteria were applied in classifying this variant: PM2,PP3.

NM_003919.3(SGCE):c.776A>T (p.Asp259Val)

Genes: CASD1 (CAS1 domain sialic acid O acetyltransferase 1; plus strand), SGCE (sarcoglycan epsilon; minus strand). Cytogenetic location: 7q21.3.
Variant type: single nucleotide variant.
Coding change: c.776A>T on transcript NM_003919.3 (MANE Select); coding-DNA position 776, A replaced by T.
Protein change: p.Asp259Val; replaces aspartic acid 259 with valine.
Molecular consequence: missense variant.
Genome position (GRCh38, 1-based): chr7:94,603,339, T>A on the plus strand (A>T on the coding strand, the complement: SGCE is on the minus strand). VCF-style: chr7-94603339-T-A. GRCh37 (hg19) VCF-style: chr7-94232651-T-A.
Other names: c.776A>T, p.Asp259Val (NM_001099400.2, NM_001099401.2, NM_001346717.2); c.653A>T, p.Asp218Val (NM_001301139.2, NM_001362809.2); c.884A>T, p.Asp295Val (NM_001346713.2, NM_001346715.2); c.689A>T, p.Asp230Val (NM_001346719.2, NM_001362807.2); c.503A>T, p.Asp168Val (NM_001346720.2, NM_001362808.2); short protein forms D259V, D168V, D218V, D230V, D295V.
Identifiers: ClinVar variation 930912 (VCV000930912.3), dbSNP rs1799567842, ClinGen allele CA368232054.